The following is an entry in ClinVar:

ClinVar aggregate classification (germline): Uncertain significance (1 of 4 stars; one submission).

gnomAD v4.1: 7 of 1,205,501 alleles (0.00058%); highest among the groups gnomAD compares: Non-Finnish European, 0.00078%; no homozygotes.

Submission:

Labcorp Genetics (formerly Invitae), Labcorp
Classification: Uncertain significance. Last evaluated: 2025-05-19. Review status: criteria provided, single submitter. Criteria: Invitae Variant Classification Sherloc (09022015). Collection method: clinical testing. Allele origin: germline.
Comment: This sequence change replaces proline, which is neutral and non-polar, with leucine, which is neutral and non-polar, at codon 1862 of the TAF1 protein (p.Pro1862Leu). The frequency data for this variant in the population databases is considered unreliable, as metrics indicate poor data quality at this position in the gnomAD database. This variant has not been reported in the literature in individuals affected with TAF1-related conditions. Invitae Evidence Modeling of protein sequence and biophysical properties (such as structural, functional, and spatial information, amino acid conservation, physicochemical variation, residue mobility, and thermodynamic stability) indicates that this missense variant is expected to disrupt TAF1 protein function with a positive predictive value of 95%. In summary, the available evidence is currently insufficient to determine the role of this variant in disease. Therefore, it has been classified as a Variant of Uncertain Significance.

NM_004606.5(TAF1):c.5525C>T (p.Pro1842Leu)

Gene: TAF1 (TATA-box binding protein associated factor 1; plus strand). Cytogenetic location: Xq13.1.
Variant type: single nucleotide variant.
Coding change: c.5525C>T on transcript NM_004606.5 (MANE Select); coding-DNA position 5525, C replaced by T.
Protein change: p.Pro1842Leu; replaces proline 1842 with leucine.
Molecular consequence: missense variant. On other transcripts: intron variant (3).
Genome position (GRCh38, 1-based): chrX:71,463,949, C>T. VCF-style: chrX-71463949-C-T. GRCh37 (hg19) VCF-style: chrX-70683799-C-T.
Other names: c.5531C>T, p.Pro1844Leu (NM_001286074.2); c.5462C>T, p.Pro1821Leu (NM_138923.4); c.5502-2319C>T (NM_001440852.1); c.5400-2319C>T (NM_001440853.1); c.5337-2319C>T (NM_001440854.1); short protein forms P1821L, P1844L, P1842L.
Identifiers: ClinVar variation 4700305 (VCV004700305.1).